The following is an entry in ClinVar:

NM_000059.4(BRCA2):c.2359A>G (p.Arg787Gly)

Gene: BRCA2 (BRCA2 DNA repair associated; plus strand). Cytogenetic location: 13q13.1.
Variant type: single nucleotide variant.
Coding change: c.2359A>G on transcript NM_000059.4 (MANE Select); coding-DNA position 2359, A replaced by G.
Protein change: p.Arg787Gly; replaces arginine 787 with glycine.
Molecular consequence: missense variant.
Genome position (GRCh38, 1-based): chr13:32,336,714, A>G. VCF-style: chr13-32336714-A-G. GRCh37 (hg19) VCF-style: chr13-32910851-A-G.
Other names: short protein forms R787G.
Identifiers: ClinVar variation 409525 (VCV000409525.14), dbSNP rs1060502451, ClinGen allele CA16614246.

ClinVar aggregate classification (germline): Conflicting classifications of pathogenicity. Review status: criteria provided, conflicting classifications (1 of 4 stars). 3 submissions from 3 submitters: Uncertain significance (2); Likely benign (1). Last evaluated 2024-05-09.

Conditions:
Hereditary breast ovarian cancer syndrome. Also called: Hereditary breast and ovarian cancer; Hereditary breast and/or ovarian cancer syndrome; BRCA1- and BRCA2-Associated Hereditary Breast and Ovarian Cancer; Hereditary breast and ovarian cancer syndrome; Hereditary breast and ovarian cancer syndrome (HBOC); Breast and ovarian cancer. Identifiers: Orphanet 145, MedGen C0677776, MeSH D061325, MONDO:0003582. Disease mechanism: loss of function.
Hereditary cancer-predisposing syndrome. Also called: Tumor predisposition; Hereditary Cancer Syndrome; Hereditary neoplastic syndrome; Neoplastic Syndromes, Hereditary. Identifiers: Orphanet 140162, MedGen C0027672, MeSH D009386, MONDO:0015356.

Submissions (3):

Labcorp Genetics (formerly Invitae), Labcorp
Classification: Uncertain significance for Hereditary breast ovarian cancer syndrome. Last evaluated: 2024-05-09. Review status: criteria provided, single submitter. Criteria: Invitae Variant Classification Sherloc (09022015). Collection method: clinical testing. Allele origin: germline.
Comment: This sequence change replaces arginine, which is basic and polar, with glycine, which is neutral and non-polar, at codon 787 of the BRCA2 protein (p.Arg787Gly). This variant is not present in population databases (gnomAD no frequency). This variant has not been reported in the literature in individuals affected with BRCA2-related conditions. ClinVar contains an entry for this variant (Variation ID: 409525). Advanced modeling of protein sequence and biophysical properties (such as structural, functional, and spatial information, amino acid conservation, physicochemical variation, residue mobility, and thermodynamic stability) performed at Invitae indicates that this missense variant is not expected to disrupt BRCA2 protein function with a negative predictive value of 95%. In summary, the available evidence is currently insufficient to determine the role of this variant in disease. Therefore, it has been classified as a Variant of Uncertain Significance.

University of Washington Department of Laboratory Medicine, University of Washington
Classification: Likely benign for Hereditary cancer-predisposing syndrome. Last evaluated: 2023-03-23. Review status: criteria provided, single submitter. Criteria: Dines et al. (Genet Med. 2020). Collection method: curation. Allele origin: germline.
Comment: Missense variant in a coldspot region where missense variants are very unlikely to be pathogenic (PMID:31911673).

BRCA2 exon 11 coldspot. Reclassification based on statistical prior probability.

Ambry Genetics
Classification: Uncertain significance for Hereditary cancer-predisposing syndrome. Last evaluated: 2022-09-26. Review status: criteria provided, single submitter. Criteria: Ambry Variant Classification Scheme 2023. Collection method: clinical testing. Allele origin: germline.
Comment: The p.R787G variant (also known as c.2359A>G), located in coding exon 10 of the BRCA2 gene, results from an A to G substitution at nucleotide position 2359. The arginine at codon 787 is replaced by glycine, an amino acid with dissimilar properties. This amino acid position is not well conserved in available vertebrate species. In addition, this alteration is predicted to be tolerated by in silico analysis. Since supporting evidence is limited at this time, the clinical significance of this alteration remains unclear.